The following is an entry in ClinVar:

NC_000017.10:g.(?_29622128)_(29701173_?)dup

Genes: EVI2A (ecotropic viral integration site 2A; minus strand), EVI2B (ecotropic viral integration site 2B; minus strand), NF1 (neurofibromin 1; plus strand), OMG (oligodendrocyte myelin glycoprotein; minus strand). Cytogenetic location: 17q11.2.
Variant type: Duplication.
Identifiers: ClinVar variation 1041201 (VCV001041201.2).

ClinVar aggregate classification (germline): Uncertain significance (1 of 4 stars; one submission).

Conditions:
Neurofibromatosis, type 1 (NF1). Also called: VON RECKLINGHAUSEN DISEASE; NEUROFIBROMATOSIS, TYPE I, SOMATIC; Peripheral type neurofibromatosis; Neurofibromatosis, type I. Identifiers: Orphanet 636, MedGen C0027831, MONDO:0018975, OMIM 162200. Disease mechanism: loss of function.

Submission:

Labcorp Genetics (formerly Invitae), Labcorp
Classification: Uncertain significance for Neurofibromatosis, type 1. Last evaluated: 2020-04-27. Review status: criteria provided, single submitter. Criteria: Invitae Variant Classification Sherloc (09022015). Collection method: clinical testing. Allele origin: germline.
Comment: This variant results in a copy number gain of the genomic region encompassing exon(s) 36-57 of the NF1 gene. The 5' boundary is likely confined to intron 35. The 3' end of this event is unknown as it extends beyond the assayed region for this gene and therefore may encompass additional genes. As the precise location of this event is unknown, it may be in tandem or it may be located elsewhere in the genome. This variant has not been reported in the literature in individuals with NF1-related conditions. Experimental studies and prediction algorithms are not available or were not evaluated, and the functional significance of this variant is currently unknown. In summary, the available evidence is currently insufficient to determine the role of this variant in disease. Therefore, it has been classified as a Variant of Uncertain Significance.